The following is an entry in ClinVar:

ClinVar aggregate classification (germline): Uncertain significance. Review status: criteria provided, multiple submitters, no conflicts (2 of 4 stars). 2 submissions from 2 submitters: Uncertain significance (2). Last evaluated 2026-09-02.

Conditions:
IFT140-related disorder. Also called: IFT140-related condition.
Retinitis pigmentosa 80 (RP80). Identifiers: MedGen C4540439, MONDO:0054708, OMIM 617781.
Saldino-Mainzer syndrome (SRTD9). Also called: CONORENAL SYNDROME; Renal dysplasia, retinal pigmentary dystrophy, cerebellar ataxia and skeletal dysplasia; SHORT-RIB THORACIC DYSPLASIA 9 WITHOUT POLYDACTYLY; short-rib thoracic dysplasia 9 with or without polydactyly. Identifiers: Orphanet 140969, MedGen C1849437, MONDO:0009964, OMIM 266920.

gnomAD v4.1: 3 of 1,607,924 alleles (0.00019%); highest among the groups gnomAD compares: Non-Finnish European, 0.00026%; no homozygotes.

Submissions (2):

PreventionGenetics, part of Exact Sciences
Classification: Uncertain significance for IFT140-related condition. Last evaluated: 2026-09-02. Review status: criteria provided, single submitter. Criteria: ACMG Guidelines, 2015. Collection method: clinical testing. Allele origin: germline.
Comment: The IFT140 c.995A>C variant is predicted to result in the amino acid substitution p.Tyr332Ser. To our knowledge, this variant has not been reported in the literature or in a large population database (gnomAD), indicating this variant is rare. At this time, the clinical significance of this variant is uncertain due to the absence of conclusive functional and genetic evidence.

Fulgent Genetics
Classification: Uncertain significance for Saldino-Mainzer syndrome; Retinitis pigmentosa 80. Last evaluated: 2024-03-22. Review status: criteria provided, single submitter. Criteria: ACMG Guidelines, 2015. Collection method: clinical testing. Allele origin: germline.

NM_014714.4(IFT140):c.995A>C (p.Tyr332Ser)

Genes: IFT140 (intraflagellar transport 140; minus strand), LOC105371046 (uncharacterized LOC105371046; plus strand). Cytogenetic location: 16p13.3.
Variant type: single nucleotide variant.
Coding change: c.995A>C on transcript NM_014714.4 (MANE Select); coding-DNA position 995, A replaced by C.
Protein change: p.Tyr332Ser; replaces tyrosine 332 with serine.
Molecular consequence: missense variant.
Genome position (GRCh38, 1-based): chr16:1,587,212, T>G on the plus strand (A>C on the coding strand, the complement: IFT140 is on the minus strand). VCF-style: chr16-1587212-T-G. GRCh37 (hg19) VCF-style: chr16-1637213-T-G.
Other names: c.995A>C (NM_014714.3); short protein forms Y332S.
Identifiers: ClinVar variation 3578666 (VCV003578666.2).